The following is an entry in ClinVar:

ClinVar aggregate classification (germline): Pathogenic (1 of 4 stars; one submission).

Conditions:
Cone-rod dystrophy 6 (CORD6). Also called: RETINAL CONE DYSTROPHY 2; Cone dystrophy progressive. Identifiers: Orphanet 1872, MedGen C1866293, MONDO:0011143, OMIM 601777.
Leber congenital amaurosis 1 (LCA1). Also called: RETINAL BLINDNESS, CONGENITAL; Congenital absence of the rods and cones; Leber's congenital tapetoretinal degeneration; Leber's congenital tapetoretinal dysplasia; AMAUROSIS CONGENITA OF LEBER I. Identifiers: Orphanet 65, MedGen C2931258, MONDO:0008764, OMIM 204000.

Submission:

Labcorp Genetics (formerly Invitae), Labcorp
Classification: Pathogenic for Leber congenital amaurosis 1; Cone-rod dystrophy 6. Last evaluated: 2021-12-08. Review status: criteria provided, single submitter. Criteria: Invitae Variant Classification Sherloc (09022015). Collection method: clinical testing. Allele origin: germline.
Comment: For these reasons, this variant has been classified as Pathogenic. This variant has not been reported in the literature in individuals affected with GUCY2D-related conditions. This variant is a gross deletion of the genomic region encompassing exon(s) 2-8 of the GUCY2D gene, which includes the initiator codon. This deletion extends beyond the assayed region for this gene and therefore may encompass additional genes. It is expected to result in an absent or disrupted protein product. Loss-of-function variants in GUCY2D are known to be pathogenic (PMID: 10951519, 11328726).

Literature cited by the submitters: PubMed 10951519; PubMed 11328726.

NC_000017.10:g.(?_7906366)_(7912924_?)del

Gene: GUCY2D (guanylate cyclase 2D, retinal; plus strand). Cytogenetic location: 17p13.1.
Variant type: Deletion.
Identifiers: ClinVar variation 2422545 (VCV002422545.4).